The following is an entry in ClinVar:

ClinVar aggregate classification (germline): Uncertain significance (1 of 4 stars; one submission).

Conditions:
Inborn genetic diseases. Identifiers: MedGen C0950123, MeSH D030342.

gnomAD v4.1: 5 of 1,612,534 alleles (0.00031%); highest among the groups gnomAD compares: Admixed American, 0.0017%; no homozygotes.

Submission:

Ambry Genetics
Classification: Uncertain significance for Inborn genetic diseases. Last evaluated: 2026-05-12. Review status: criteria provided, single submitter. Criteria: Ambry Variant Classification Scheme 2023. Collection method: clinical testing. Allele origin: germline.
Comment: The c.3919T>G (p.S1307A) alteration is located in exon 25 (coding exon 25) of the KMT2C gene. This alteration results from a T to G substitution at nucleotide position 3919, causing the serine (S) at amino acid position 1307 to be replaced by an alanine (A). Based on data from gnomAD, the G allele has an overall frequency of <0.001% (1/251046) total alleles studied. The highest observed frequency was 0.001% (1/113536) of European (non-Finnish) alleles. Based on insufficient or conflicting evidence, the clinical significance of this alteration remains unclear.

NM_170606.3(KMT2C):c.3919T>G (p.Ser1307Ala)

Gene: KMT2C (lysine methyltransferase 2C; minus strand). Cytogenetic location: 7q36.1.
Variant type: single nucleotide variant.
Coding change: c.3919T>G on transcript NM_170606.3 (MANE Select); coding-DNA position 3919, T replaced by G.
Protein change: p.Ser1307Ala; replaces serine 1307 with alanine.
Molecular consequence: missense variant.
Genome position (GRCh38, 1-based): chr7:152,205,148, A>C on the plus strand (T>G on the coding strand, the complement: KMT2C is on the minus strand). VCF-style: chr7-152205148-A-C. GRCh37 (hg19) VCF-style: chr7-151902233-A-C.
Other names: short protein forms S1307A.
Identifiers: ClinVar variation 4858982 (VCV004858982.1).